The following is an entry in ClinVar:

ClinVar aggregate classification (germline): Uncertain significance (1 of 4 stars; one submission).

Conditions:
Hereditary breast ovarian cancer syndrome. Also called: Hereditary breast and ovarian cancer syndrome (HBOC); Hereditary breast and ovarian cancer; Breast and ovarian cancer; Hereditary breast and/or ovarian cancer syndrome; BRCA1- and BRCA2-Associated Hereditary Breast and Ovarian Cancer; Hereditary breast and ovarian cancer syndrome. Identifiers: Orphanet 145, MedGen C0677776, MeSH D061325, MONDO:0003582. Disease mechanism: loss of function.

Submission:

Labcorp Genetics (formerly Invitae), Labcorp
Classification: Uncertain significance for Hereditary breast ovarian cancer syndrome. Last evaluated: 2026-01-05. Review status: criteria provided, single submitter. Criteria: Invitae Variant Classification Sherloc (09022015). Collection method: clinical testing. Allele origin: germline.
Comment: This sequence change replaces serine, which is neutral and polar, with alanine, which is neutral and non-polar, at codon 1013 of the BRCA2 protein (p.Ser1013Ala). This variant is not present in population databases (gnomAD no frequency). This variant has not been reported in the literature in individuals affected with BRCA2-related conditions. Invitae Evidence Modeling of protein sequence and biophysical properties (such as structural, functional, and spatial information, amino acid conservation, physicochemical variation, residue mobility, and thermodynamic stability) indicates that this missense variant is not expected to disrupt BRCA2 protein function with a negative predictive value of 95%. In summary, the available evidence is currently insufficient to determine the role of this variant in disease. Therefore, it has been classified as a Variant of Uncertain Significance.

NM_000059.4(BRCA2):c.3037T>G (p.Ser1013Ala)

Gene: BRCA2 (BRCA2 DNA repair associated; plus strand). Cytogenetic location: 13q13.1.
Variant type: single nucleotide variant.
Coding change: c.3037T>G on transcript NM_000059.4 (MANE Select); coding-DNA position 3037, T replaced by G.
Protein change: p.Ser1013Ala; replaces serine 1013 with alanine.
Molecular consequence: missense variant. On other transcripts: non-coding transcript variant (1), intron variant (2).
Genome position (GRCh38, 1-based): chr13:32,337,392, T>G. VCF-style: chr13-32337392-T-G. GRCh37 (hg19) VCF-style: chr13-32911529-T-G.
Other names: c.3037T>G, p.Ser1013Ala (NM_001406719.1, NM_001406720.1, NM_001432077.1); c.1909+4005T>G (NM_001406721.1); c.424+6362T>G (NM_001406722.1); short protein forms S1013A.
Identifiers: ClinVar variation 4802293 (VCV004802293.1).
Genomic context (GRCh38, chr13:32,337,392, plus strand): 5'-TGGGCAGGACTCTTAGGTCCAATTTCAAATCACAGTTTTGGAGGTAGCTTCAGAACAGCT[T>G]CAAATAAGGAAATCAAGCTCTCTGAACATAACATTAAGAAGAGCAAAATGTTCTTCAAAG-3'
Protein context (NP_000050.3, residues 1003-1023): HSFGGSFRTA[Ser1013Ala]NKEIKLSEHN